The following is an entry in ClinVar:

NM_000093.5(COL5A1):c.5000T>C (p.Phe1667Ser)

Genes: COL5A1 (collagen type V alpha 1 chain; plus strand), LOC101448202 (uncharacterized LOC101448202; minus strand). Cytogenetic location: 9q34.3.
Variant type: single nucleotide variant.
Coding change: c.5000T>C on transcript NM_000093.5 (MANE Select); coding-DNA position 5000, T replaced by C.
Protein change: p.Phe1667Ser; replaces phenylalanine 1667 with serine.
Molecular consequence: missense variant.
Genome position (GRCh38, 1-based): chr9:134,825,837, T>C. VCF-style: chr9-134825837-T-C. GRCh37 (hg19) VCF-style: chr9-137717683-T-C.
Other names: c.5000T>C, p.Phe1667Ser (NM_001278074.1); short protein forms F1667S.
Identifiers: ClinVar variation 1317124 (VCV001317124.2), dbSNP rs2132887689, ClinGen allele CA375458919.

ClinVar aggregate classification (germline): Uncertain significance (1 of 4 stars; one submission).

Submission:

GeneDx
Classification: Uncertain significance. Last evaluated: 2019-03-29. Review status: criteria provided, single submitter. Criteria: GeneDx Variant Classification Process June 2021. Collection method: clinical testing. Allele origin: germline. Affected: yes.
Comment: Has not been previously published as pathogenic or benign to our knowledge; In silico analysis, which includes protein predictors and evolutionary conservation, supports a deleterious effect; Not located in the triple helical region, where the majority of pathogenic missense variants occur (Symoens et al., 2012; Stenson et al., 2014); Not observed in large population cohorts (Lek et al., 2016)